The following is an entry in ClinVar:

NM_001687.5(ATP5F1D):c.262C>T (p.His88Tyr)

Gene: ATP5F1D (ATP synthase F1 subunit delta; plus strand). Cytogenetic location: 19p13.3.
Variant type: single nucleotide variant.
Coding change: c.262C>T on transcript NM_001687.5 (MANE Select); coding-DNA position 262, C replaced by T.
Protein change: p.His88Tyr; replaces histidine 88 with tyrosine.
Molecular consequence: missense variant.
Genome position (GRCh38, 1-based): chr19:1,242,576, C>T. VCF-style: chr19-1242576-C-T. GRCh37 (hg19) VCF-style: chr19-1242575-C-T.
Other names: c.262C>T, p.His88Tyr (NM_001001975.2); short protein forms H88Y.
Identifiers: ClinVar variation 2473777 (VCV002473777.3), dbSNP rs1463933102, ClinGen allele CA402980483.

ClinVar aggregate classification (germline): Uncertain significance. Review status: criteria provided, multiple submitters, no conflicts (2 of 4 stars). 2 submissions from 2 submitters: Uncertain significance (2). Last evaluated 2025-03-06.

Conditions:
Inborn genetic diseases. Identifiers: MedGen C0950123, MeSH D030342.

Allele frequency attached by ClinVar (database versions not stated): gnomAD exomes below 0.00001.

Submissions (2):

Labcorp Genetics (formerly Invitae), Labcorp
Classification: Uncertain significance. Last evaluated: 2025-03-06. Review status: criteria provided, single submitter. Criteria: Invitae Variant Classification Sherloc (09022015). Collection method: clinical testing. Allele origin: germline.
Comment: This sequence change replaces histidine, which is basic and polar, with tyrosine, which is neutral and polar, at codon 88 of the ATP5D protein (p.His88Tyr). The frequency data for this variant in the population databases is considered unreliable, as metrics indicate poor data quality at this position in the gnomAD database. This variant has not been reported in the literature in individuals affected with ATP5D-related conditions. ClinVar contains an entry for this variant (Variation ID: 2473777). An algorithm developed to predict the effect of missense changes on protein structure and function outputs the following: PolyPhen-2: "Benign". The tyrosine amino acid residue is found in multiple mammalian species, which suggests that this missense change does not adversely affect protein function. In summary, the available evidence is currently insufficient to determine the role of this variant in disease. Therefore, it has been classified as a Variant of Uncertain Significance.

Ambry Genetics
Classification: Uncertain significance for Inborn genetic diseases. Last evaluated: 2023-02-01. Review status: criteria provided, single submitter. Criteria: Ambry Variant Classification Scheme 2023. Collection method: clinical testing. Allele origin: germline.